The following is an entry in ClinVar:

NM_001267550.2(TTN):c.66086G>A (p.Arg22029His)

Genes: TTN-AS1 (TTN antisense RNA 1; plus strand), TTN (titin; minus strand). Cytogenetic location: 2q31.2.
Variant type: single nucleotide variant.
Coding change: c.66086G>A on transcript NM_001267550.2 (MANE Select); coding-DNA position 66086, G replaced by A.
Protein change: p.Arg22029His; replaces arginine 22029 with histidine.
Molecular consequence: missense variant.
Genome position (GRCh38, 1-based): chr2:178,582,370, C>T on the plus strand (G>A on the coding strand, the complement: TTN is on the minus strand). VCF-style: chr2-178582370-C-T. GRCh37 (hg19) VCF-style: chr2-179447097-C-T.
Other names: p.R20388H:CGT>CAT; c.38891G>A, p.Arg12964His (NM_003319.4); c.39266G>A, p.Arg13089His (NM_133432.3); c.39467G>A, p.Arg13156His (NM_133437.4); c.61163G>A, p.Arg20388His (NM_001256850.1); c.58382G>A, p.Arg19461His (NM_133378.4); short protein forms R22029H, R19461H, R20388H, R13089H, R13156H, R12964H.
Identifiers: ClinVar variation 47233 (VCV000047233.27), dbSNP rs72646868, ClinGen allele CA140400.

ClinVar aggregate classification (germline): Conflicting classifications of pathogenicity. Review status: criteria provided, conflicting classifications (1 of 4 stars). 10 submissions from 10 submitters: Uncertain significance (9); Likely benign (1). Last evaluated 2024-11-04.

Conditions:
Cardiovascular phenotype. Identifiers: MedGen CN230736.
Dilated cardiomyopathy 1G (CMD1G). Identifiers: Orphanet 154, MedGen C1858763, MONDO:0011400, OMIM 604145.
Autosomal recessive limb-girdle muscular dystrophy type 2J (LGMDR10). Also called: Limb-girdle muscular dystrophy, type 2J; MUSCULAR DYSTROPHY, LIMB-GIRDLE, AUTOSOMAL RECESSIVE 10. Identifiers: Orphanet 140922, MedGen C1837342, MONDO:0012127, OMIM 608807.
Primary dilated cardiomyopathy (DCM). Also called: Dilated Cardiomyopathy. Identifiers: Orphanet 217604, MedGen C0007193, MeSH D002311, MONDO:0005021, HP:0001644. Inheritance: Various modes of inheritance.

Allele frequency attached by ClinVar (database versions not stated): ExAC 0.00005; gnomAD exomes 0.00005 and 0.00008; ESP Exome Variant Server 0.00008; gnomAD 0.00008 and 0.00009; TOPMed 0.00008.
gnomAD v4.1: 124 of 1,611,940 alleles (0.0077%); highest among the groups gnomAD compares: Middle Eastern, 0.016%; no homozygotes.

Submissions (10):

Women's Health and Genetics/Laboratory Corporation of America, LabCorp
Classification: Uncertain significance. Last evaluated: 2024-11-04. Review status: criteria provided, single submitter. Criteria: LabCorp Variant Classification Summary - May 2015. Collection method: clinical testing. Allele origin: germline.
Comment: Variant summary: TTN c.58382G>A (p.Arg19461His) results in a non-conservative amino acid change located in the A-band region of the encoded protein sequence. Four of four in-silico tools predict a damaging effect of the variant on protein function. The variant allele was found at a frequency of 5.3e-05 in 247276 control chromosomes. This frequency is not significantly higher than estimated for a pathogenic variant in TTN causing Cardiomyopathy (5.3e-05 vs 0.00063), allowing no conclusion about variant significance. c.58382G>A has been reported in the literature in individuals affected with Cardiomyopathy (e.g. Begay_2015, Campuzano_2015, Mademont-Soler_2017, Martinez-Barrios_2022). These report(s) do not provide unequivocal conclusions about association of the variant with Cardiomyopathy. To our knowledge, no experimental evidence demonstrating an impact on protein function has been reported. The following publications have been ascertained in the context of this evaluation (PMID: 26567375, 26516846, 28771489, 35207729). ClinVar contains an entry for this variant (Variation ID: 47233). Based on the evidence outlined above, the variant was classified as uncertain significance.

Revvity Omics, Revvity
Classification: Uncertain significance. Last evaluated: 2022-09-13. Review status: criteria provided, single submitter. Criteria: ACMG Guidelines, 2015. Collection method: clinical testing. Allele origin: germline.

ARUP Laboratories, Molecular Genetics and Genomics, ARUP Laboratories
Classification: Uncertain significance. Last evaluated: 2019-11-14. Review status: criteria provided, single submitter. Criteria: ARUP Molecular Germline Variant Investigation Process. Collection method: clinical testing. Allele origin: germline.
Comment: The TTN c.66086G>A; p.Arg22029His variant (rs72646868; ClinVar Variation ID: 47233) is rare in the general population (<1% allele frequency in the Genome Aggregation Database) and has not been reported in the medical literature in association with dilated cardiomyopathy (DCM) or other TTN-related disease. The clinical relevance of rare missense variants in this gene, which are identified on average once per individual sequenced in affected populations (Herman 2012), is not well understood. Yet, evidence suggests that the vast majority of such missense variants do not contribute to the clinical outcome of DCM (Begay 2015). Thus, the clinical significance of the p.Arg22029His variant cannot be determined with certainty. References: Begay RL et al. Role of Titin Missense Variants in Dilated Cardiomyopathy. J Am Heart Assoc. 2015 Nov 13;4(11). Herman DS et al. Truncations of titin causing dilated cardiomyopathy. N Engl J Med. 2012 Feb 16;366(7):619-28.

Ambry Genetics
Classification: Uncertain significance for Cardiovascular phenotype. Last evaluated: 2019-09-26. Review status: criteria provided, single submitter. Criteria: Ambry Variant Classification Scheme 2023. Collection method: clinical testing. Allele origin: germline.
Comment: The p.R12964H variant (also known as c.38891G>A), located in coding exon 141 of the TTN gene, results from a G to A substitution at nucleotide position 38891. The arginine at codon 12964 is replaced by histidine, an amino acid with highly similar properties. This amino acid position is highly conserved in available vertebrate species. In addition, the in silico prediction for this alteration is inconclusive. Since supporting evidence is limited at this time, the clinical significance of this alteration remains unclear.

Cambridge Genomics Laboratory, East Genomic Laboratory Hub, NHS Genomic Medicine Service
Classification: Uncertain significance for Primary dilated cardiomyopathy. Last evaluated: 2019-04-17. Review status: criteria provided, single submitter. Criteria: ACGS Best Practice Guidelines for Variant Classification in Rare Disease 2020. Collection method: clinical testing. Allele origin: germline. Affected: yes. Observed: 1 variant allele.

GeneDx
Classification: Likely benign. Last evaluated: 2018-11-08. Review status: criteria provided, single submitter. Criteria: GeneDx Variant Classification Process June 2021. Collection method: clinical testing. Allele origin: germline. Affected: yes.
Comment: This variant is associated with the following publications: (PMID: 28771489, 26567375)

Athena Diagnostics
Classification: Uncertain significance. Last evaluated: 2017-12-06. Review status: criteria provided, single submitter. Criteria: Athena Diagnostics Criteria. Collection method: clinical testing. Allele origin: germline.

Labcorp Genetics (formerly Invitae), Labcorp
Classification: Uncertain significance for Dilated cardiomyopathy 1G; Autosomal recessive limb-girdle muscular dystrophy type 2J. Last evaluated: 2016-11-26. Review status: criteria provided, single submitter. Criteria: Invitae Variant Classification Sherloc (09022015). Collection method: clinical testing. Allele origin: germline.

Eurofins Ntd Llc (ga)
Classification: Uncertain significance. Last evaluated: 2015-09-17. Review status: criteria provided, single submitter. Criteria: EGL Classification Definitions 2015. Collection method: clinical testing. Allele origin: germline. Observed: 2 variant alleles, 2 heterozygotes.

Laboratory for Molecular Medicine, Mass General Brigham Personalized Medicine
Classification: Uncertain significance. Last evaluated: 2012-12-11. Review status: criteria provided, single submitter. Criteria: LMM Criteria. Collection method: clinical testing. Allele origin: germline. Observed: 1 variant allele.
Comment: The Arg19461His variant in TTN has not been reported in the literature nor previ ously identified by our laboratory. This variant has been identified in 1/8218 E uropean American chromosomes from a broad population by the NHLBI Exome Sequenci ng Project (dbSNP rs72646868). Computational analyses (biochemical amino acid properties, conservation, AlignGVGD, PolyPhen2, and SIFT) do not provide strong support for or against an impact to the protein . Additional information is needed to fully assess the clinical significance of the Arg19461His variant.

Literature cited by the submitters: PubMed 28771489 (cited by Women's Health and Genetics/Laboratory Corporation of America, LabCorp); PubMed 26516846 (cited by Women's Health and Genetics/Laboratory Corporation of America, LabCorp); PubMed 26567375 (cited by Women's Health and Genetics/Laboratory Corporation of America, LabCorp); PubMed 35207729 (cited by Women's Health and Genetics/Laboratory Corporation of America, LabCorp).